The following is an entry in ClinVar:

NM_145239.3(PRRT2):c.455C>G (p.Pro152Arg)

Genes: MVP-DT (MVP divergent transcript; minus strand), PRRT2 (proline rich transmembrane protein 2; plus strand). Cytogenetic location: 16p11.2.
Variant type: single nucleotide variant.
Coding change: c.455C>G on transcript NM_145239.3 (MANE Select); coding-DNA position 455, C replaced by G.
Protein change: p.Pro152Arg; replaces proline 152 with arginine.
Molecular consequence: missense variant.
Genome position (GRCh38, 1-based): chr16:29,813,509, C>G. VCF-style: chr16-29813509-C-G. GRCh37 (hg19) VCF-style: chr16-29824830-C-G.
Other names: c.455C>G, p.Pro152Arg (NM_001256442.2, NM_001256443.2); short protein forms P152R.
Identifiers: ClinVar variation 1020513 (VCV001020513.10), dbSNP rs760278435, ClinGen allele CA7994530.

ClinVar aggregate classification (germline): Uncertain significance (1 of 4 stars; one submission).

Conditions:
Episodic kinesigenic dyskinesia (EKD). Also called: Paroxysmal kinesigenic dyskinesia. Identifiers: Orphanet 98809, MedGen C1868682, MONDO:0044202.

Allele frequency attached by ClinVar (database versions not stated): gnomAD exomes 0.00001; ExAC 0.00002; TOPMed 0.00003.

Submission:

Labcorp Genetics (formerly Invitae), Labcorp
Classification: Uncertain significance for Episodic kinesigenic dyskinesia. Last evaluated: 2025-10-11. Review status: criteria provided, single submitter. Criteria: Invitae Variant Classification Sherloc (09022015). Collection method: clinical testing. Allele origin: germline.
Comment: This sequence change replaces proline, which is neutral and non-polar, with arginine, which is basic and polar, at codon 152 of the PRRT2 protein (p.Pro152Arg). This variant is present in population databases (rs760278435, gnomAD 0.006%). This variant has not been reported in the literature in individuals affected with PRRT2-related conditions. ClinVar contains an entry for this variant (Variation ID: 1020513). Invitae Evidence Modeling of protein sequence and biophysical properties (such as structural, functional, and spatial information, amino acid conservation, physicochemical variation, residue mobility, and thermodynamic stability) indicates that this missense variant is not expected to disrupt PRRT2 protein function with a negative predictive value of 95%. In summary, the available evidence is currently insufficient to determine the role of this variant in disease. Therefore, it has been classified as a Variant of Uncertain Significance.